The following is an entry in ClinVar:

NM_001349253.2(SCN11A):c.5169C>T (p.Pro1723=)

Gene: SCN11A (sodium voltage-gated channel alpha subunit 11; minus strand). Cytogenetic location: 3p22.2.
Variant type: single nucleotide variant.
Coding change: c.5169C>T on transcript NM_001349253.2 (MANE Select); coding-DNA position 5169, C replaced by T.
Protein change: p.Pro1723=; no amino-acid change (proline 1723 retained).
Molecular consequence: synonymous variant.
Genome position (GRCh38, 1-based): chr3:38,846,901, G>A on the plus strand (C>T on the coding strand, the complement: SCN11A is on the minus strand). VCF-style: chr3-38846901-G-A. GRCh37 (hg19) VCF-style: chr3-38888392-G-A.
Other names: p.Pro1723=; c.5169C>T, p.Pro1723= (NM_014139.3).
Identifiers: ClinVar variation 474744 (VCV000474744.15), dbSNP rs116714494, ClinGen allele CA2321382.

ClinVar aggregate classification (germline): Benign. Review status: criteria provided, multiple submitters, no conflicts (2 of 4 stars). 5 submissions from 5 submitters: Benign (5). Last evaluated 2026-01-26.

Conditions:
SCN11A-related disorder. Also called: SCN11A-related condition.
Hereditary sensory and autonomic neuropathy type 7. Also called: HSAN VII; Neuropathy, hereditary sensory and autonomic, type VII. Identifiers: Orphanet 391397, MedGen C3809882, MONDO:0014244, OMIM 615548.
Familial episodic pain syndrome with predominantly lower limb involvement. Also called: Episodic pain syndrome, familial, 3. Identifiers: Orphanet 391384, Orphanet 391392, MedGen C3809899, MONDO:0014247, OMIM 615552.

Allele frequency attached by ClinVar (database versions not stated): gnomAD exomes 0.00095 and 0.00249; ExAC 0.00293; gnomAD 0.00901 and 0.00961; ESP Exome Variant Server 0.00984; TOPMed 0.01050; 1000 Genomes Project 0.01218; 1000 Genomes Project 30x 0.01218.
gnomAD v4.1: 2,848 of 1,613,958 alleles (0.18%); highest among the groups gnomAD compares: African/African-American, 3.3%; 43 homozygotes.

Submissions (5):

Labcorp Genetics (formerly Invitae), Labcorp
Classification: Benign for Familial episodic pain syndrome with predominantly lower limb involvement; Hereditary sensory and autonomic neuropathy type 7. Last evaluated: 2026-01-26. Review status: criteria provided, single submitter. Criteria: Invitae Variant Classification Sherloc (09022015). Collection method: clinical testing. Allele origin: germline.

PreventionGenetics, part of Exact Sciences
Classification: Benign for SCN11A-related condition. Last evaluated: 2025-03-05. Review status: criteria provided, single submitter. Criteria: ACMG Guidelines, 2015. Collection method: clinical testing. Allele origin: germline.
Comment: This variant is classified as benign based on ACMG/AMP sequence variant interpretation guidelines (Richards et al. 2015 PMID: 25741868, with internal and published modifications).

Mayo Clinic Laboratories, Mayo Clinic
Classification: Benign. Last evaluated: 2023-09-05. Review status: criteria provided, single submitter. Criteria: ACMG Guidelines, 2015. Collection method: clinical testing. Allele origin: germline. Observed: 3 variant alleles.
Comment: BA1, BS2, BP4, BP7

GeneDx
Classification: Benign. Last evaluated: 2019-08-22. Review status: criteria provided, single submitter. Criteria: GeneDx Variant Classification Process June 2021. Collection method: clinical testing. Allele origin: germline. Affected: yes.

Breakthrough Genomics
Classification: Benign. Review status: criteria provided, single submitter. Criteria: ACMG Guidelines, 2015. Collection method: not provided. Allele origin: germline. Inheritance: Autosomal dominant inheritance. Affected: yes.